The following is an entry in ClinVar:

ClinVar aggregate classification (germline): Conflicting classifications of pathogenicity. Review status: criteria provided, conflicting classifications (1 of 4 stars). 3 submissions from 3 submitters: Uncertain significance (1); Benign (1); Likely benign (1). Last evaluated 2026-01-06.

Conditions:
Sulfite oxidase deficiency. Also called: Isolated sulfite oxidase deficiency. Identifiers: Orphanet 833, Orphanet 99731, MedGen C0268624, MONDO:0010089, OMIM 272300, HP:0003643.

Allele frequency attached by ClinVar (database versions not stated): gnomAD below 0.00001 and 0.00012; TOPMed below 0.00001; gnomAD exomes 0.00018; ExAC 0.00022; 1000 Genomes Project 30x 0.00047; 1000 Genomes Project 0.00060.

Submissions (3):

Labcorp Genetics (formerly Invitae), Labcorp
Classification: Benign for Sulfite oxidase deficiency. Last evaluated: 2026-01-06. Review status: criteria provided, single submitter. Criteria: Invitae Variant Classification Sherloc (09022015). Collection method: clinical testing. Allele origin: germline.

GeneDx
Classification: Uncertain significance. Last evaluated: 2022-10-14. Review status: criteria provided, single submitter. Criteria: GeneDx Variant Classification Process June 2021. Collection method: clinical testing. Allele origin: germline. Affected: yes.
Comment: Normal stop codon changed to an Arginine codon, leading to the addition of 14 amino acids at the C-terminus; Has not been previously published as pathogenic or benign to our knowledge

Women's Health and Genetics/Laboratory Corporation of America, LabCorp
Classification: Likely benign. Last evaluated: 2022-08-25. Review status: criteria provided, single submitter. Criteria: LabCorp Variant Classification Summary - May 2015. Collection method: clinical testing. Allele origin: germline.
Comment: Variant summary: SUOX c.1636T>A (p.X546ArgextX14) changes the termination codon and is predicted to lead to an extended protein with 14 additional amino acids added to the normal C-terminus. The variant allele was found at a frequency of 0.00018 in 248718 control chromosomes (gnomAD), predominantly at a frequency of 0.0014 within the South Asian subpopulation in the gnomAD database. The observed variant frequency within South Asian control individuals in the gnomAD database is 1.25 fold of the estimated maximal expected allele frequency for a pathogenic variant in SUOX causing Sulfite Oxidase Deficiency phenotype (0.0011), suggesting that the variant is a benign polymorphism found primarily in populations of South Asian origin. To our knowledge, no occurrence of c.1636T>A in individuals affected with Sulfite Oxidase Deficiency and no experimental evidence demonstrating its impact on protein function have been reported. Three clinical diagnostic laboratories have submitted clinical-significance assessments for this variant to ClinVar after 2014. Two assessments classified the variant as benign, and one as VUS. Based on the evidence outlined above, the variant was classified as likely benign.

NM_001032386.2(SUOX):c.1636T>A (p.Ter546Arg)

Gene: SUOX (sulfite oxidase; plus strand). Cytogenetic location: 12q13.2.
Variant type: single nucleotide variant.
Coding change: c.1636T>A on transcript NM_001032386.2 (MANE Select); coding-DNA position 1636, T replaced by A.
Protein change: p.Ter546Arg.
Molecular consequence: stop lost.
Genome position (GRCh38, 1-based): chr12:56,005,025, T>A. VCF-style: chr12-56005025-T-A. GRCh37 (hg19) VCF-style: chr12-56398809-T-A.
Other names: *546R; c.1636T>A, p.Ter546Arg (NM_000456.3, NM_001032387.2).
Identifiers: ClinVar variation 729894 (VCV000729894.14), dbSNP rs574353697, ClinGen allele CA6621195.